The following is an entry in ClinVar:

ClinVar aggregate classification (germline): Uncertain significance (1 of 4 stars; one submission).

gnomAD v4.1: 1 of 1,614,090 alleles (0.000062%); highest among the groups gnomAD compares: Non-Finnish European, 0.000085%; no homozygotes.

Submission:

GeneDx
Classification: Uncertain significance. Last evaluated: 2026-04-06. Review status: criteria provided, single submitter. Criteria: GeneDx Variant Classification Process June 2021. Collection method: clinical testing. Allele origin: germline.
Comment: Not observed at significant frequency in large population cohorts (gnomAD); In silico analysis suggests that this missense variant does not alter protein structure/function; Has not been previously published as pathogenic or benign to our knowledge

NM_144672.4(OTOA):c.2003T>C (p.Val668Ala)

Gene: OTOA (otoancorin). Cytogenetic location: 16p12.2.
Variant type: single nucleotide variant.
Coding change: c.2003T>C on transcript NM_144672.4 (MANE Select); coding-DNA position 2003, T replaced by C.
Protein change: p.Val668Ala; replaces valine 668 with alanine.
Molecular consequence: missense variant.
Genome position (GRCh38, 1-based): chr16:21,726,645, T>C. VCF-style: chr16-21726645-T-C. GRCh37 (hg19) VCF-style: chr16-21737966-T-C.
Other names: c.1766T>C, p.Val589Ala (NM_001161683.2); c.1031T>C, p.Val344Ala (NM_170664.3); short protein forms V344A, V589A, V668A.
Identifiers: ClinVar variation 5017839 (VCV005017839.1).
Genomic context (GRCh38, chr16:21,726,645, plus strand): 5'-AGAGCTGGTTGGACTCCTTGGTTTTAGATTCCCACAAAAAGACTTCAGTCCTCAGGAAAG[T>C]GCAGCAGTGCCTGGTAAGAAAACTCTTCCTGGGTGTCCCCTCCCTCTGGGTATCTGTGGC-3'
Protein context (NP_653273.3, residues 658-678): SHKKTSVLRK[Val668Ala]QQCLDDSIAD